The following is an entry in ClinVar:

NM_006206.6(PDGFRA):c.2229C>T (p.Val743=)

Gene: PDGFRA (platelet derived growth factor receptor alpha; plus strand). Cytogenetic location: 4q12.
Variant type: single nucleotide variant.
Coding change: c.2229C>T on transcript NM_006206.6 (MANE Select); coding-DNA position 2229, C replaced by T.
Protein change: p.Val743=; no amino-acid change (valine 743 retained).
Molecular consequence: synonymous variant.
Genome position (GRCh38, 1-based): chr4:54,280,388, C>T. VCF-style: chr4-54280388-C-T. GRCh37 (hg19) VCF-style: chr4-55146555-C-T.
Other names: c.2229C>T, p.Val743= (NM_001347827.2, NM_001347829.2); c.2304C>T, p.Val768= (NM_001347828.2); c.2268C>T, p.Val756= (NM_001347830.2).
Identifiers: ClinVar variation 706204 (VCV000706204.15), dbSNP rs752425157, ClinGen allele CA2922792.

ClinVar aggregate classification (germline): Benign/Likely benign. Review status: criteria provided, multiple submitters, no conflicts (2 of 4 stars). 4 submissions from 4 submitters: Benign (1); Likely benign (3). Last evaluated 2026-07-01.

Conditions:
Gastrointestinal stromal tumor. Also called: Gastrointestinal stromal tumor, somatic; Gastrointestinal stroma tumor. Identifiers: Orphanet 44890, MedGen C0238198, MeSH D046152, MONDO:0011719, OMIM 606764, HP:0100723.
Polyps, multiple and recurrent inflammatory fibroid, gastrointestinal. Identifiers: MedGen C5193005, MONDO:0008285, OMIM 175510.
Hereditary cancer-predisposing syndrome. Also called: Neoplastic Syndromes, Hereditary; Hereditary neoplastic syndrome; Hereditary Cancer Syndrome; Tumor predisposition. Identifiers: Orphanet 140162, MedGen C0027672, MeSH D009386, MONDO:0015356.

Allele frequency attached by ClinVar (database versions not stated): gnomAD exomes below 0.00001; ExAC 0.00001; TOPMed 0.00001; gnomAD 0.00002.
gnomAD v4.1: 10 of 1,611,498 alleles (0.00062%); highest among the groups gnomAD compares: African/African-American, 0.0027%; no homozygotes.

Submissions (4):

CeGaT Center for Human Genetics Tuebingen
Classification: Likely benign. Last evaluated: 2026-07-01. Review status: criteria provided, single submitter. Criteria: CeGaT Center For Human Genetics Tuebingen Variant Classification Criteria Version 2. Collection method: clinical testing. Allele origin: germline. Affected: yes. Observed: 1 variant allele.
Comment: PDGFRA: BP4, BP7

Myriad Genetics, Inc.
Classification: Benign for Polyps, multiple and recurrent inflammatory fibroid, gastrointestinal. Last evaluated: 2026-06-17. Review status: criteria provided, single submitter. Criteria: Myriad Autosomal Dominant, Autosomal Recessive and X-Linked Classification Criteria (2023). Collection method: clinical testing. Allele origin: unknown.
Comment: This variant is considered benign. This variant is a silent/synonymous amino acid change and it is not expected to impact splicing.

Labcorp Genetics (formerly Invitae), Labcorp
Classification: Likely benign for Gastrointestinal stromal tumor. Last evaluated: 2025-09-04. Review status: criteria provided, single submitter. Criteria: Invitae Variant Classification Sherloc (09022015). Collection method: clinical testing. Allele origin: germline.

Ambry Genetics
Classification: Likely benign for Hereditary cancer-predisposing syndrome. Last evaluated: 2022-03-19. Review status: criteria provided, single submitter. Criteria: Ambry Variant Classification Scheme 2023. Collection method: clinical testing. Allele origin: germline.